The following is an entry in ClinVar:

NM_004517.4(ILK):c.1307G>A (p.Arg436Gln)

Genes: ILK (integrin linked kinase; plus strand), TAF10 (TATA-box binding protein associated factor 10; minus strand). Cytogenetic location: 11p15.4.
Variant type: single nucleotide variant.
Coding change: c.1307G>A on transcript NM_004517.4 (MANE Select); coding-DNA position 1307, G replaced by A.
Protein change: p.Arg436Gln; replaces arginine 436 with glutamine.
Molecular consequence: missense variant. On other transcripts: 3 prime UTR variant (1).
Genome position (GRCh38, 1-based): chr11:6,610,559, G>A. VCF-style: chr11-6610559-G-A. GRCh37 (hg19) VCF-style: chr11-6631790-G-A.
Other names: c.1307G>A, p.Arg436Gln (NM_001014794.3, NM_001014795.3); c.1124G>A, p.Arg375Gln (NM_001278441.2); c.905G>A, p.Arg302Gln (NM_001278442.2); c.*363C>T (NM_006284.4); short protein forms R302Q, R375Q, R436Q.
Identifiers: ClinVar variation 1022333 (VCV001022333.10), dbSNP rs773362090, ClinGen allele CA5858351.

ClinVar aggregate classification (germline): Uncertain significance. Review status: criteria provided, multiple submitters, no conflicts (2 of 4 stars). 2 submissions from 2 submitters: Uncertain significance (2). Last evaluated 2025-03-18.

Conditions:
Primary familial hypertrophic cardiomyopathy (HCM). Identifiers: Orphanet 99739, MedGen C0949658, MeSH D024741, MONDO:0024573. Inheritance: Various modes of inheritance.

Allele frequency attached by ClinVar (database versions not stated): gnomAD exomes below 0.00001 and 0.00001; TOPMed below 0.00001; ExAC 0.00002.

Submissions (2):

Ambry Genetics
Classification: Uncertain significance. Last evaluated: 2025-03-18. Review status: criteria provided, single submitter. Criteria: Ambry Variant Classification Scheme 2023. Collection method: clinical testing. Allele origin: germline.
Comment: The p.R436Q variant (also known as c.1307G>A), located in coding exon 12 of the ILK gene, results from a G to A substitution at nucleotide position 1307. The arginine at codon 436 is replaced by glutamine, an amino acid with highly similar properties. This amino acid position is conserved. In addition, this alteration is predicted to be deleterious by in silico analysis. Based on the available evidence, the clinical significance of this variant remains unclear.

Labcorp Genetics (formerly Invitae), Labcorp
Classification: Uncertain significance for Primary familial hypertrophic cardiomyopathy. Last evaluated: 2020-02-12. Review status: criteria provided, single submitter. Criteria: Invitae Variant Classification Sherloc (09022015). Collection method: clinical testing. Allele origin: germline.
Comment: This variant is present in population databases (rs773362090, ExAC 0.003%). In summary, the available evidence is currently insufficient to determine the role of this variant in disease. Therefore, it has been classified as a Variant of Uncertain Significance. Algorithms developed to predict the effect of missense changes on protein structure and function are either unavailable or do not agree on the potential impact of this missense change (SIFT: "Deleterious"; PolyPhen-2: "Benign"; Align-GVGD: "Class C0"). This variant has not been reported in the literature in individuals with ILK-related conditions. This sequence change replaces arginine with glutamine at codon 436 of the ILK protein (p.Arg436Gln). The arginine residue is highly conserved and there is a small physicochemical difference between arginine and glutamine.